The following is an entry in ClinVar:

ClinVar aggregate classification (germline): Conflicting classifications of pathogenicity. Review status: criteria provided, conflicting classifications (1 of 4 stars). 5 submissions from 5 submitters: Uncertain significance (4); Likely benign (1). Last evaluated 2026-06-30.

Conditions:
Cardiovascular phenotype. Identifiers: MedGen CN230736.
Primary familial hypertrophic cardiomyopathy (HCM). Identifiers: Orphanet 99739, MedGen C0949658, MeSH D024741, MONDO:0024573. Inheritance: Various modes of inheritance.
Dilated cardiomyopathy 1AA (CMD1AA). Also called: Cardiomyopathy, dilated, 1AA, with or without LVNC; CARDIOMYOPATHY, DILATED, 1AA, WITH OR WITHOUT LEFT VENTRICULAR NONCOMPACTION; CARDIOMYOPATHY, FAMILIAL HYPERTROPHIC, 23, WITH OR WITHOUT LEFT VENTRICULAR NONCOMPACTION. Identifiers: Orphanet 154, MedGen C2677338, MONDO:0012808, OMIM 612158.

Allele frequency attached by ClinVar (database versions not stated): gnomAD exomes 0.00001; ExAC 0.00002.
gnomAD v4.1: 25 of 1,614,138 alleles (0.0015%); highest among the groups gnomAD compares: Non-Finnish European, 0.002%; no homozygotes.

Submissions (5):

Victorian Clinical Genetics Services, Murdoch Childrens Research Institute
Classification: Uncertain significance for Dilated cardiomyopathy 1AA. Last evaluated: 2026-06-30. Review status: criteria provided, single submitter. Criteria: ACMG Guidelines, 2015. Collection method: clinical testing. Allele origin: germline. Affected: yes.
Comment: This variant is classified as VUS-3C. Evidence in support of pathogenic classification: Variant is present in gnomAD <0.001 for a dominant condition (v4: 25 heterozygote(s), 0 homozygote(s)). Additional information: Variant is predicted to result in a missense amino acid change from Arg to His; This variant is heterozygous; This gene is associated with autosomal dominant disease; Alternative amino acid change(s) at the same position are present in gnomAD (highest allele count: v4: 37 heterozygote(s), 0 homozygote(s)); Previous reports of pathogenicity for this variant are conflicting. This variant has been classified as a VUS and as likely benign by clinical laboratories in ClinVar. This variant has also been reported in a cohort of HCM patients (PMID: 28790153). - No published evidence of segregation with disease has been identified for this variant; No published functional evidence has been identified for this variant; Other missense variant(s) comparable to the one identified in this case have conflicting previous evidence for pathogenicity. p.(Arg398Gly), p.(Arg398Cys) and p.(Arg398Ser) have been classified as a VUS by clinical laboratories in ClinVar, however, p.(Arg398Cys) was also classified as benign. Additionally, p.(Arg398Cys) and p.(Arg398Leu) have been reported in cardiomyopathy cohorts in the literature (PMIDs: 30847666, 31110529), however one report included a family with variants in other genes and a structural variant (PMID: 29961767). p.(Arg398Cys) has also been reported in the literature in an individual with Brugada syndrome, which is not known to be associated with ACTN2 (PMID: 27707468, PanelApp Australia); Variant is not located in an established domain, motif, hotspot or informative constraint region; Missense variant with inconclusive in silico prediction and/or uninformative conservation; Loss of function is a known mechanism of disease in this gene and is associated with ACTN2-related cardiac and skeletal myopathy (MONDO:0700349). Dominant negative has also been suggested as a disease mechanism (PMID: 34802252, PMID: 36116040); Variants in this gene are known to have variable expressivity (PMID: 36116040); Inheritance information for this variant is not currently available in this individual.

Ambry Genetics
Classification: Uncertain significance for Cardiovascular phenotype. Last evaluated: 2025-09-25. Review status: criteria provided, single submitter. Criteria: Ambry Variant Classification Scheme 2023. Collection method: clinical testing. Allele origin: germline.
Comment: The p.R398H variant (also known as c.1193G>A), located in coding exon 11 of the ACTN2 gene, results from a G to A substitution at nucleotide position 1193. The arginine at codon 398 is replaced by histidine, an amino acid with highly similar properties. This amino acid position is conserved. In addition, the in silico prediction for this alteration is inconclusive. Based on the available evidence, the clinical significance of this variant remains unclear.

Molecular Diagnostic Laboratory for Inherited Cardiovascular Disease, Montreal Heart Institute
Classification: Uncertain significance for Cardiovascular phenotype. Last evaluated: 2025-04-09. Review status: criteria provided, single submitter. Criteria: ACMG Guidelines, 2015. Collection method: clinical testing. Allele origin: germline. Affected: yes.

Labcorp Genetics (formerly Invitae), Labcorp
Classification: Likely benign for Primary familial hypertrophic cardiomyopathy; Dilated cardiomyopathy 1AA. Last evaluated: 2024-10-05. Review status: criteria provided, single submitter. Criteria: Invitae Variant Classification Sherloc (09022015). Collection method: clinical testing. Allele origin: germline.

Blueprint Genetics
Classification: Uncertain significance. Last evaluated: 2022-01-28. Review status: criteria provided, single submitter. Criteria: ACMG Guidelines, 2015. Collection method: clinical testing. Allele origin: germline.

Literature cited by the submitters: PubMed 29961767 (cited by Victorian Clinical Genetics Services, Murdoch Childrens Research Institute); PubMed 30847666 (cited by Victorian Clinical Genetics Services, Murdoch Childrens Research Institute); PubMed 34802252 (cited by Victorian Clinical Genetics Services, Murdoch Childrens Research Institute); PubMed 28790153 (cited by Victorian Clinical Genetics Services, Murdoch Childrens Research Institute); PubMed 36116040 (cited by Victorian Clinical Genetics Services, Murdoch Childrens Research Institute); PubMed 27707468 (cited by Victorian Clinical Genetics Services, Murdoch Childrens Research Institute); PubMed 31110529 (cited by Victorian Clinical Genetics Services, Murdoch Childrens Research Institute).

NM_001103.4(ACTN2):c.1193G>A (p.Arg398His)

Gene: ACTN2 (actinin alpha 2; plus strand). Cytogenetic location: 1q43.
Variant type: single nucleotide variant.
Coding change: c.1193G>A on transcript NM_001103.4 (MANE Select); coding-DNA position 1193, G replaced by A.
Protein change: p.Arg398His; replaces arginine 398 with histidine.
Molecular consequence: missense variant.
Genome position (GRCh38, 1-based): chr1:236,742,981, G>A. VCF-style: chr1-236742981-G-A. GRCh37 (hg19) VCF-style: chr1-236906281-G-A.
Other names: c.1193G>A (NM_001103.2); c.1193G>A, p.Arg398His (NM_001278343.2); c.569G>A, p.Arg190His (NM_001278344.2); short protein forms R398H, R190H.
Identifiers: ClinVar variation 238296 (VCV000238296.13), dbSNP rs752906680, ClinGen allele CA1473076.